The following is an entry in ClinVar:

ClinVar aggregate classification (germline): Uncertain significance (1 of 4 stars; one submission).

Conditions:
Transcobalamin II deficiency (TCN2D). Also called: TC II DEFICIENCY; TCN2 DEFICIENCY; Transcolabamin II deficiency. Identifiers: Orphanet 859, MedGen C0342701, MONDO:0010149, OMIM 275350.

gnomAD v4.1: 6 of 1,614,230 alleles (0.00037%); highest among the groups gnomAD compares: South Asian, 0.0011%; no homozygotes.

Submission:

Labcorp Genetics (formerly Invitae), Labcorp
Classification: Uncertain significance for Transcobalamin II deficiency. Last evaluated: 2020-12-02. Review status: criteria provided, single submitter. Criteria: Invitae Variant Classification Sherloc (09022015). Collection method: clinical testing. Allele origin: germline.
Comment: This variant has not been reported in the literature in individuals with TCN2-related conditions. In summary, the available evidence is currently insufficient to determine the role of this variant in disease. Therefore, it has been classified as a Variant of Uncertain Significance. Algorithms developed to predict the effect of missense changes on protein structure and function are either unavailable or do not agree on the potential impact of this missense change (SIFT: "Deleterious"; PolyPhen-2: "Probably Damaging"; Align-GVGD: "Class C0"). This variant is not present in population databases (ExAC no frequency). This sequence change replaces aspartic acid with glutamic acid at codon 194 of the TCN2 protein (p.Asp194Glu). The aspartic acid residue is highly conserved and there is a small physicochemical difference between aspartic acid and glutamic acid.

NM_000355.4(TCN2):c.582C>G (p.Asp194Glu)

Gene: TCN2 (transcobalamin 2; plus strand). Cytogenetic location: 22q12.2.
Variant type: single nucleotide variant.
Coding change: c.582C>G on transcript NM_000355.4 (MANE Select); coding-DNA position 582, C replaced by G.
Protein change: p.Asp194Glu; replaces aspartic acid 194 with glutamic acid.
Molecular consequence: missense variant.
Genome position (GRCh38, 1-based): chr22:30,615,302, C>G. VCF-style: chr22-30615302-C-G. GRCh37 (hg19) VCF-style: chr22-31011289-C-G.
Other names: c.501C>G, p.Asp167Glu (NM_001184726.2); short protein forms D167E, D194E.
Identifiers: ClinVar variation 1442047 (VCV001442047.8), dbSNP rs762023960, ClinGen allele CA411212028.